The following is an entry in ClinVar:

ClinVar aggregate classification (germline): Likely benign. Review status: criteria provided, multiple submitters, no conflicts (2 of 4 stars). 2 submissions from 2 submitters: Likely benign (2). Last evaluated 2025-08-09.

Allele frequency attached by ClinVar (database versions not stated): ExAC 0.00001; gnomAD exomes 0.00001; gnomAD 0.00002.
gnomAD v4.1: 12 of 1,614,012 alleles (0.00074%); highest among the groups gnomAD compares: African/African-American, 0.0013%; no homozygotes.

Submissions (2):

Labcorp Genetics (formerly Invitae), Labcorp
Classification: Likely benign. Last evaluated: 2025-08-09. Review status: criteria provided, single submitter. Criteria: Invitae Variant Classification Sherloc (09022015). Collection method: clinical testing. Allele origin: germline.

CeGaT Center for Human Genetics Tuebingen
Classification: Likely benign. Last evaluated: 2022-06-01. Review status: criteria provided, single submitter. Criteria: CeGaT Center For Human Genetics Tuebingen Variant Classification Criteria Version 2. Collection method: clinical testing. Allele origin: germline. Affected: yes. Observed: 1 variant allele.
Comment: SETBP1: BP4, BP7

NM_015559.3(SETBP1):c.3861G>A (p.Ser1287=)

Gene: SETBP1 (SET binding protein 1; plus strand). Cytogenetic location: 18q12.3.
Variant type: single nucleotide variant.
Coding change: c.3861G>A on transcript NM_015559.3 (MANE Select); coding-DNA position 3861, G replaced by A.
Protein change: p.Ser1287=; no amino-acid change (serine 1287 retained).
Molecular consequence: synonymous variant.
Genome position (GRCh38, 1-based): chr18:44,953,201, G>A. VCF-style: chr18-44953201-G-A. GRCh37 (hg19) VCF-style: chr18-42533166-G-A.
Other names: c.3861G>A, p.Ser1287= (NM_001379141.1, NM_001379142.1).
Identifiers: ClinVar variation 1566229 (VCV001566229.38), dbSNP rs749024227, ClinGen allele CA8946006.
Genomic context (GRCh38, chr18:44,953,201, plus strand): 5'-CGGGGATGGTGGCAGCACGAGATCAGAGAACCTGGACGTGTTCAGTGAAATGAACCCTTC[G>A]AATGACAAGTGGGACAGTGACGTGAGTGGGAGTAAAAGGAGGAGCTATGAAGGCTTTGGA-3'
Protein context (NP_056374.2, residues 1277-1297): NLDVFSEMNP[Ser1287=]NDKWDSDVSG